The following is an entry in ClinVar:

NM_002335.4(LRP5):c.3727C>T (p.His1243Tyr)

Gene: LRP5 (LDL receptor related protein 5; plus strand). Cytogenetic location: 11q13.2.
Variant type: single nucleotide variant.
Coding change: c.3727C>T on transcript NM_002335.4 (MANE Select); coding-DNA position 3727, C replaced by T.
Protein change: p.His1243Tyr; replaces histidine 1243 with tyrosine.
Molecular consequence: missense variant.
Genome position (GRCh38, 1-based): chr11:68,429,664, C>T. VCF-style: chr11-68429664-C-T. GRCh37 (hg19) VCF-style: chr11-68197132-C-T.
Other names: c.1984C>T, p.His662Tyr (NM_001291902.2); short protein forms H1243Y, H662Y.
Identifiers: ClinVar variation 1389515 (VCV001389515.7), dbSNP rs2153176275, ClinGen allele CA381613377.

ClinVar aggregate classification (germline): Uncertain significance. Review status: criteria provided, multiple submitters, no conflicts (2 of 4 stars). 2 submissions from 2 submitters: Uncertain significance (2). Last evaluated 2024-06-14.

Conditions:
Exudative vitreoretinopathy 4 (EVR4). Identifiers: Orphanet 891, MedGen C1866176, MONDO:0011151, OMIM 601813.
Bone mineral density quantitative trait locus 1 (BMND1). Identifiers: MedGen C1866079, OMIM 601884.
Worth disease. Also called: ENDOSTEAL HYPEROSTOSIS, AUTOSOMAL DOMINANT; OSTEOSCLEROSIS, AUTOSOMAL DOMINANT; Autosomal dominant osteosclerosis, Worth type. Identifiers: Orphanet 2790, MedGen C0432273, MONDO:0007764, OMIM 144750.
Osteoporosis with pseudoglioma (OPPG). Also called: osteoporosis-pseudoglioma syndrome. Identifiers: Orphanet 2788, MedGen C0432252, MONDO:0009820, OMIM 259770.
Polycystic liver disease 4 with or without kidney cysts. Identifiers: MedGen C4693479, MONDO:0044327, OMIM 617875.
Autosomal dominant osteopetrosis 1 (OPTA1). Also called: OSTEOPETROSIS, AUTOSOMAL DOMINANT, TYPE I. Identifiers: Orphanet 2783, MedGen C1843330, MONDO:0011877, OMIM 607634.

gnomAD v4.1: 1 of 1,614,170 alleles (0.000062%); highest among the groups gnomAD compares: Non-Finnish European, 0.000085%; no homozygotes.

Submissions (2):

Fulgent Genetics
Classification: Uncertain significance for Worth disease; Osteoporosis with pseudoglioma; Exudative vitreoretinopathy 4; Bone mineral density quantitative trait locus 1; Autosomal dominant osteopetrosis 1; Polycystic liver disease 4 with or without kidney cysts. Last evaluated: 2024-06-14. Review status: criteria provided, single submitter. Criteria: ACMG Guidelines, 2015. Collection method: clinical testing. Allele origin: germline.

Labcorp Genetics (formerly Invitae), Labcorp
Classification: Uncertain significance. Last evaluated: 2022-10-24. Review status: criteria provided, single submitter. Criteria: Invitae Variant Classification Sherloc (09022015). Collection method: clinical testing. Allele origin: germline.
Comment: This sequence change replaces histidine, which is basic and polar, with tyrosine, which is neutral and polar, at codon 1243 of the LRP5 protein (p.His1243Tyr). This variant is not present in population databases (gnomAD no frequency). This variant has not been reported in the literature in individuals affected with LRP5-related conditions. ClinVar contains an entry for this variant (Variation ID: 1389515). Advanced modeling of protein sequence and biophysical properties (such as structural, functional, and spatial information, amino acid conservation, physicochemical variation, residue mobility, and thermodynamic stability) performed at Invitae indicates that this missense variant is not expected to disrupt LRP5 protein function. In summary, the available evidence is currently insufficient to determine the role of this variant in disease. Therefore, it has been classified as a Variant of Uncertain Significance.